The following is an entry in ClinVar:

ClinVar aggregate classification (germline): Likely benign. Review status: criteria provided, multiple submitters, no conflicts (2 of 4 stars). 3 submissions from 3 submitters: Likely benign (3). Last evaluated 2026-01-05.

Conditions:
Juvenile polyposis syndrome (JPS). Identifiers: Orphanet 2929, MedGen C0345893, MONDO:0017380, OMIM 174900.
Hereditary cancer-predisposing syndrome. Also called: Neoplastic Syndromes, Hereditary; Hereditary Cancer Syndrome; Hereditary neoplastic syndrome; Tumor predisposition. Identifiers: Orphanet 140162, MedGen C0027672, MeSH D009386, MONDO:0015356.
Juvenile polyposis/hereditary hemorrhagic telangiectasia syndrome (JPHT). Also called: Juvenile Polyposis Syndrome / Hereditary Hemorrhagic Telangiectasia (JPS/HHT); JP/HHT SYNDROME; JUVENILE POLYPOSIS WITH HEREDITARY HEMORRHAGIC TELANGIECTASIA; POLYPOSIS, GENERALIZED JUVENILE, WITH PULMONARY ARTERIOVENOUS MALFORMATION; TELANGIECTASIA, HEREDITARY HEMORRHAGIC, WITH JUVENILE POLYPOSIS COLI. Identifiers: Orphanet 2929, MedGen C1832942, MONDO:0008278, OMIM 175050.

gnomAD v4.1: 4 of 1,609,788 alleles (0.00025%); highest among the groups gnomAD compares: Non-Finnish European, 0.00034%; no homozygotes.

Submissions (3):

Labcorp Genetics (formerly Invitae), Labcorp
Classification: Likely benign for Juvenile polyposis syndrome. Last evaluated: 2026-01-05. Review status: criteria provided, single submitter. Criteria: Invitae Variant Classification Sherloc (09022015). Collection method: clinical testing. Allele origin: germline.

Myriad Genetics, Inc.
Classification: Likely benign for Juvenile polyposis/hereditary hemorrhagic telangiectasia syndrome. Last evaluated: 2025-03-21. Review status: criteria provided, single submitter. Criteria: Myriad Autosomal Dominant, Autosomal Recessive and X-Linked Classification Criteria (2023). Collection method: clinical testing. Allele origin: unknown.
Comment: This variant is considered likely benign. This variant is intronic and is not expected to impact mRNA splicing.

Color Diagnostics, LLC DBA Color Health
Classification: Likely benign for Hereditary cancer-predisposing syndrome. Last evaluated: 2021-03-08. Review status: criteria provided, single submitter. Criteria: ACMG Guidelines, 2015. Collection method: clinical testing. Allele origin: germline.

NM_005359.6(SMAD4):c.1309-15G>C

Gene: SMAD4 (SMAD family member 4; plus strand). Cytogenetic location: 18q21.2.
Variant type: single nucleotide variant.
Coding change: c.1309-15G>C on transcript NM_005359.6 (MANE Select); 15 bases into the intron before coding-DNA position 1309, G replaced by C.
Molecular consequence: intron variant.
Genome position (GRCh38, 1-based): chr18:51,076,623, G>C. VCF-style: chr18-51076623-G-C. GRCh37 (hg19) VCF-style: chr18-48602993-G-C.
Identifiers: ClinVar variation 1331806 (VCV001331806.11), dbSNP rs764436881, ClinGen allele CA2573054678.
Genomic context (GRCh38, chr18:51,076,623, plus strand): 5'-TAAGTCAGGCATTGGTTTTTAATGTATGGAATTTTTCTTTATGAACTCATAGTATGAAAT[G>C]TTTTTTCTTAAAAGGTCTTTGATTTGCGTCAGTGTCATCGACAGATGCAGCAGCAGGCGG-3'